The following is an entry in ClinVar:

NM_021942.6(TRAPPC11):c.1522C>T (p.Gln508Ter)

Gene: TRAPPC11 (trafficking protein particle complex subunit 11; plus strand). Cytogenetic location: 4q35.1.
Variant type: single nucleotide variant.
Coding change: c.1522C>T on transcript NM_021942.6 (MANE Select); coding-DNA position 1522, C replaced by T.
Protein change: p.Gln508Ter; replaces glutamine 508 with a stop codon.
Molecular consequence: nonsense.
Genome position (GRCh38, 1-based): chr4:183,684,796, C>T. VCF-style: chr4-183684796-C-T. GRCh37 (hg19) VCF-style: chr4-184605949-C-T.
Other names: c.1522C>T, p.Gln508Ter (NM_199053.3); short protein forms Q508*.
Identifiers: ClinVar variation 2580783 (VCV002580783.5), dbSNP rs1234694300, ClinGen allele CA358867540.

ClinVar aggregate classification (germline): Pathogenic/Likely pathogenic. Review status: criteria provided, multiple submitters, no conflicts (2 of 4 stars). 3 submissions from 3 submitters: Pathogenic (1); Likely pathogenic (2). Last evaluated 2024-10-25.

Conditions:
Autosomal recessive limb-girdle muscular dystrophy type R18 (LGMDR18). Also called: MUSCULAR DYSTROPHY, LIMB-GIRDLE, AUTOSOMAL RECESSIVE 18; Limb-girdle muscular dystrophy, type 2S; Autosomal recessive limb-girdle muscular dystrophy type 2S. Identifiers: Orphanet 369840, MedGen C4517996, MONDO:0014144, OMIM 615356.

Allele frequency attached by ClinVar (database versions not stated): TOPMed below 0.00001; gnomAD 0.00001; gnomAD exomes 0.00001.
gnomAD v4.1: 14 of 1,613,684 alleles (0.00087%); highest among the groups gnomAD compares: Non-Finnish European, 0.0012%; no homozygotes.

Submissions (3):

Revvity Omics, Revvity
Classification: Likely pathogenic for Autosomal recessive limb-girdle muscular dystrophy type R18. Last evaluated: 2024-10-25. Review status: criteria provided, single submitter. Criteria: ACMG Guidelines, 2015. Collection method: clinical testing. Allele origin: germline.

Labcorp Genetics (formerly Invitae), Labcorp
Classification: Pathogenic for Autosomal recessive limb-girdle muscular dystrophy type R18. Last evaluated: 2024-09-09. Review status: criteria provided, single submitter. Criteria: Invitae Variant Classification Sherloc (09022015). Collection method: clinical testing. Allele origin: germline.
Comment: This sequence change creates a premature translational stop signal (p.Gln508*) in the TRAPPC11 gene. It is expected to result in an absent or disrupted protein product. Loss-of-function variants in TRAPPC11 are known to be pathogenic (PMID: 23830518, 26322222). This variant is present in population databases (no rsID available, gnomAD 0.0009%). This variant has not been reported in the literature in individuals affected with TRAPPC11-related conditions. ClinVar contains an entry for this variant (Variation ID: 2580783). Algorithms developed to predict the effect of sequence changes on RNA splicing suggest that this variant may disrupt the consensus splice site. For these reasons, this variant has been classified as Pathogenic.

GeneDx
Classification: Likely pathogenic. Last evaluated: 2023-09-20. Review status: criteria provided, single submitter. Criteria: GeneDx Variant Classification Process June 2021. Collection method: clinical testing. Allele origin: germline. Affected: yes.
Comment: Nonsense variant predicted to result in protein truncation or nonsense mediated decay in a gene for which loss of function is a known mechanism of disease; Not observed at significant frequency in large population cohorts (gnomAD); Has not been previously published as pathogenic or benign to our knowledge

Literature cited by the submitters: PubMed 23830518 (cited by Labcorp Genetics (formerly Invitae), Labcorp); PubMed 26322222 (cited by Labcorp Genetics (formerly Invitae), Labcorp).